The following is an entry in ClinVar:

ClinVar aggregate classification (germline): Uncertain significance (1 of 4 stars; one submission).

Conditions:
Peroxisome biogenesis disorder. Identifiers: Orphanet 79189, MedGen C1832200, MONDO:0019234. Disease mechanism: loss of function.

Allele frequency attached by ClinVar (database versions not stated): gnomAD exomes below 0.00001.
gnomAD v4.1: 1 of 1,612,160 alleles (0.000062%); highest among the groups gnomAD compares: Non-Finnish European, 0.000085%; no homozygotes.

Submission:

Labcorp Genetics (formerly Invitae), Labcorp
Classification: Uncertain significance for Peroxisome biogenesis disorder. Last evaluated: 2021-07-12. Review status: criteria provided, single submitter. Criteria: Invitae Variant Classification Sherloc (09022015). Collection method: clinical testing. Allele origin: germline.
Comment: In summary, the available evidence is currently insufficient to determine the role of this variant in disease. Therefore, it has been classified as a Variant of Uncertain Significance. Algorithms developed to predict the effect of missense changes on protein structure and function are either unavailable or do not agree on the potential impact of this missense change (SIFT: "Deleterious"; PolyPhen-2: "Probably Damaging"; Align-GVGD: "Class C0"). This variant has not been reported in the literature in individuals affected with PEX16-related conditions. This variant is not present in population databases (ExAC no frequency). This sequence change replaces alanine with valine at codon 220 of the PEX16 protein (p.Ala220Val). The alanine residue is highly conserved and there is a small physicochemical difference between alanine and valine.

NM_004813.4(PEX16):c.659C>T (p.Ala220Val)

Gene: PEX16 (peroxisomal biogenesis factor 16; minus strand). Cytogenetic location: 11p11.2.
Variant type: single nucleotide variant.
Coding change: c.659C>T on transcript NM_004813.4 (MANE Select); coding-DNA position 659, C replaced by T.
Protein change: p.Ala220Val; replaces alanine 220 with valine.
Molecular consequence: missense variant.
Genome position (GRCh38, 1-based): chr11:45,914,351, G>A on the plus strand (C>T on the coding strand, the complement: PEX16 is on the minus strand). VCF-style: chr11-45914351-G-A. GRCh37 (hg19) VCF-style: chr11-45935902-G-A.
Other names: c.659C>T, p.Ala220Val (NM_057174.3); short protein forms A220V.
Identifiers: ClinVar variation 1504599 (VCV001504599.8), dbSNP rs2134692997, ClinGen allele CA380226968.